The following is an entry in ClinVar:

NM_006258.4(PRKG1):c.762+113C>T

Gene: PRKG1 (protein kinase cGMP-dependent 1; plus strand). Cytogenetic location: 10q21.1.
Variant type: single nucleotide variant.
Coding change: c.762+113C>T on transcript NM_006258.4 (MANE Select); 113 bases into the intron after coding-DNA position 762, C replaced by T.
Molecular consequence: intron variant.
Genome position (GRCh38, 1-based): chr10:51,907,683, C>T. VCF-style: chr10-51907683-C-T. GRCh37 (hg19) VCF-style: chr10-53667443-C-T.
Other names: c.717+113C>T (NM_001098512.3).
Identifiers: ClinVar variation 674711 (VCV000674711.2), dbSNP rs10823860, ClinGen allele CA16389009.

ClinVar aggregate classification (germline): Benign. Review status: criteria provided, multiple submitters, no conflicts (2 of 4 stars). 2 submissions from 2 submitters: Benign (2). Last evaluated 2018-06-14.

Allele frequency attached by ClinVar (database versions not stated): gnomAD exomes 0.70756; 1000 Genomes Project 0.73263; 1000 Genomes Project 30x 0.74094; gnomAD 0.75209 and 0.75789; TOPMed 0.75513.
gnomAD v4.1: 662,649 of 927,036 alleles (71%); highest among the groups gnomAD compares: African/African-American, 87%; 238,494 homozygotes.

Submissions (2):

GeneDx
Classification: Benign. Last evaluated: 2018-06-14. Review status: criteria provided, single submitter. Criteria: GeneDx Variant Classification (06012015). Collection method: clinical testing. Allele origin: germline. Affected: yes.
Comment: This variant is considered likely benign or benign based on one or more of the following criteria: it is a conservative change, it occurs at a poorly conserved position in the protein, it is predicted to be benign by multiple in silico algorithms, and/or has population frequency not consistent with disease.

Breakthrough Genomics
Classification: Benign. Review status: criteria provided, single submitter. Criteria: ACMG Guidelines, 2015. Collection method: not provided. Allele origin: germline. Inheritance: Autosomal dominant inheritance. Affected: yes.